The following is an entry in ClinVar:

ClinVar aggregate classification (germline): Uncertain significance (1 of 4 stars; one submission).

Submission:

GeneDx
Classification: Uncertain significance. Last evaluated: 2025-03-27. Review status: criteria provided, single submitter. Criteria: GeneDx Variant Classification Process June 2021. Collection method: clinical testing. Allele origin: germline. Affected: yes.
Comment: Not observed at significant frequency in large population cohorts (gnomAD); In silico analysis supports that this missense variant has a deleterious effect on protein structure/function; Has not been previously published as pathogenic or benign to our knowledge

NM_000051.4(ATM):c.1450T>G (p.Trp484Gly)

Gene: ATM (ATM serine/threonine kinase; plus strand). Cytogenetic location: 11q22.3.
Variant type: single nucleotide variant.
Coding change: c.1450T>G on transcript NM_000051.4 (MANE Select); coding-DNA position 1450, T replaced by G.
Protein change: p.Trp484Gly; replaces tryptophan 484 with glycine.
Molecular consequence: missense variant.
Genome position (GRCh38, 1-based): chr11:108,250,915, T>G. VCF-style: chr11-108250915-T-G. GRCh37 (hg19) VCF-style: chr11-108121642-T-G.
Other names: c.1450T>G, p.Trp484Gly (NM_001351834.2); short protein forms W484G.
Identifiers: ClinVar variation 3602184 (VCV003602184.2).